The following is an entry in ClinVar:

ClinVar aggregate classification (germline): Uncertain significance. Review status: criteria provided, multiple submitters, no conflicts (2 of 4 stars). 2 submissions from 2 submitters: Uncertain significance (2). Last evaluated 2025-06-09.

Submissions (2):

GeneDx
Classification: Uncertain significance. Last evaluated: 2025-06-09. Review status: criteria provided, single submitter. Criteria: GeneDx Variant Classification Process June 2021. Collection method: clinical testing. Allele origin: germline. Affected: yes.
Comment: In silico analysis supports a deleterious effect on protein structure/function; Has not been previously published as pathogenic or benign to our knowledge

Labcorp Genetics (formerly Invitae), Labcorp
Classification: Uncertain significance. Last evaluated: 2023-08-10. Review status: criteria provided, single submitter. Criteria: Invitae Variant Classification Sherloc (09022015). Collection method: clinical testing. Allele origin: germline.
Comment: This variant has not been reported in the literature in individuals affected with CABP2-related conditions. ClinVar contains an entry for this variant (Variation ID: 1356975). An algorithm developed to predict the effect of missense changes on protein structure and function (PolyPhen-2) suggests that this variant is likely to be disruptive. In summary, the available evidence is currently insufficient to determine the role of this variant in disease. Therefore, it has been classified as a Variant of Uncertain Significance. This variant is present in population databases (no rsID available, gnomAD 0.003%). This sequence change replaces alanine with phenylalanine at codon 5 of the CABP2 protein (p.Ala5Phe). The alanine residue is weakly conserved and there is a moderate physicochemical difference between alanine and phenylalanine.

NM_016366.3(CABP2):c.13_14delinsTT (p.Ala5Phe)

Gene: CABP2 (calcium binding protein 2; minus strand). Cytogenetic location: 11q13.2.
Variant type: Indel.
Coding change: c.13_14delinsTT on transcript NM_016366.3 (MANE Select); coding-DNA positions 13 to 14, GC replaced by TT.
Protein change: p.Ala5Phe; replaces alanine 5 with phenylalanine.
Molecular consequence: missense variant.
Genome position (GRCh38, 1-based): chr11:67,523,313-67,523,314, GC replaced by AA on the plus strand (GC replaced by TT on the coding strand, the reverse complement: CABP2 is on the minus strand). VCF-style: chr11-67523313-GC-AA. GRCh37 (hg19) VCF-style: chr11-67290784-GC-AA.
Other names: c.27_28delinsTT, p.Pro10Ser (NM_001318496.2); c.13_14delinsTT (NM_016366.2); short protein forms A5F, P10S.
Identifiers: ClinVar variation 1356975 (VCV001356975.8), dbSNP rs2134364058, ClinGen allele CA2573147638.
Genomic context (GRCh38, chr11:67,523,313, plus strand): 5'-CTGGCCTGGGTTTCTCCCCTGACCCCTCCTACCTTAGGGCCCCGGCGCCAGGGCCGCTTG[GC>AA]ACAGTTCCCCATGGGCCCTGAACCATGCCAGGCCTGGAACCCCGGGGGTGGCCCGGGTGG-3'
Protein context (NP_057450.2, residues 1-15): MGNC[Ala5Phe]KRPWRRGPKD